The following is an entry in ClinVar:

NM_000213.5(ITGB4):c.2049C>T (p.Ser683=)

Gene: ITGB4 (integrin subunit beta 4; plus strand). Cytogenetic location: 17q25.1.
Variant type: single nucleotide variant.
Coding change: c.2049C>T on transcript NM_000213.5 (MANE Select); coding-DNA position 2049, C replaced by T.
Protein change: p.Ser683=; no amino-acid change (serine 683 retained).
Molecular consequence: synonymous variant.
Genome position (GRCh38, 1-based): chr17:75,737,380, C>T. VCF-style: chr17-75737380-C-T. GRCh37 (hg19) VCF-style: chr17-73733461-C-T.
Other names: c.2049C>T, p.Ser683= (NM_001005619.2, NM_001005731.3, NM_001321123.2 and 1 more transcripts).
Identifiers: ClinVar variation 4084812 (VCV004084812.8).

ClinVar aggregate classification (germline): Likely benign (1 of 4 stars; one submission).

Submission:

CeGaT Center for Human Genetics Tuebingen
Classification: Likely benign. Last evaluated: 2025-06-01. Review status: criteria provided, single submitter. Criteria: CeGaT Center For Human Genetics Tuebingen Variant Classification Criteria Version 2. Collection method: clinical testing. Allele origin: germline. Affected: yes. Observed: 1 variant allele.
Comment: ITGB4: PM2:Supporting, BP4, BP7